The following is an entry in ClinVar:

NM_032638.5(GATA2):c.542T>G (p.Val181Gly)

Gene: GATA2 (GATA binding protein 2; minus strand). Cytogenetic location: 3q21.3.
Variant type: single nucleotide variant.
Coding change: c.542T>G on transcript NM_032638.5 (MANE Select); coding-DNA position 542, T replaced by G.
Protein change: p.Val181Gly; replaces valine 181 with glycine.
Molecular consequence: missense variant.
Genome position (GRCh38, 1-based): chr3:128,486,056, A>C on the plus strand (T>G on the coding strand, the complement: GATA2 is on the minus strand). VCF-style: chr3-128486056-A-C. GRCh37 (hg19) VCF-style: chr3-128204899-A-C.
Other names: c.542T>G, p.Val181Gly (NM_001145661.2, NM_001145662.1); short protein forms V181G.
Identifiers: ClinVar variation 2930012 (VCV002930012.4), dbSNP rs1213379943, ClinGen allele CA354406551.
Genomic context (GRCh38, chr3:128,486,056, plus strand): 5'-CTACCCCCCGCGGAAGATGAGGCTGGAGACGCAGCCCCCGTGGTGCTAGGGTCAGGAGAC[A>C]CTTCTTTGGGTGGCGTGGGTGGGAAGCCGAAAAGGTGGGAGCCAGAGTGGGCTGCTGTAG-3'
Protein context (NP_116027.2, residues 171-191): FGFPPTPPKE[Val181Gly]SPDPSTTGAA

ClinVar aggregate classification (germline): Uncertain significance. Review status: criteria provided, multiple submitters, no conflicts (2 of 4 stars). 2 submissions from 2 submitters: Uncertain significance (2). Last evaluated 2026-07-07.

Conditions:
Inborn genetic diseases. Identifiers: MedGen C0950123, MeSH D030342.
Deafness-lymphedema-leukemia syndrome. Also called: Emberger syndrome; Lymphedema, primary, with myelodysplasia. Identifiers: Orphanet 3226, MedGen C3279664, MONDO:0013540, OMIM 614038.
Monocytopenia with susceptibility to infections. Also called: MONOCYTOPENIA AND MYCOBACTERIAL INFECTION SYNDROME; MONOCYTOPENIA WITH SUSCEPTIBILITY TO MYCOBACTERIAL, FUNGAL, AND PAPILLOMAVIRUS INFECTIONS AND MYELODYSPLASIA; COMBINED IMMUNODEFICIENCY WITH SUSCEPTIBILITY TO MYCOBACTERIAL, VIRAL, AND FUNGAL INFECTIONS; Dendritic cell, monocyte, B lymphocyte, and natural killer lymphocyte deficiency; GATA2 DEFICIENCY; IMMUNODEFICIENCY 21. Identifiers: Orphanet 228423, MedGen C3280030, MONDO:0013607, OMIM 614172.

Submissions (2):

Ambry Genetics
Classification: Uncertain significance for Inborn genetic diseases. Last evaluated: 2026-07-07. Review status: criteria provided, single submitter. Criteria: Ambry Variant Classification Scheme 2023. Collection method: clinical testing. Allele origin: germline.
Comment: The p.V181G variant (also known as c.542T>G), located in coding exon 2 of the GATA2 gene, results from a T to G substitution at nucleotide position 542. The valine at codon 181 is replaced by glycine, an amino acid with dissimilar properties. This amino acid position is conserved. In addition, this alteration is predicted to be deleterious by in silico analysis. Based on the available evidence, the clinical significance of this variant remains unclear.

Labcorp Genetics (formerly Invitae), Labcorp
Classification: Uncertain significance for Monocytopenia with susceptibility to infections; Deafness-lymphedema-leukemia syndrome. Last evaluated: 2023-05-11. Review status: criteria provided, single submitter. Criteria: Invitae Variant Classification Sherloc (09022015). Collection method: clinical testing. Allele origin: germline.
Comment: In summary, the available evidence is currently insufficient to determine the role of this variant in disease. Therefore, it has been classified as a Variant of Uncertain Significance. Advanced modeling of protein sequence and biophysical properties (such as structural, functional, and spatial information, amino acid conservation, physicochemical variation, residue mobility, and thermodynamic stability) has been performed at Invitae for this missense variant, however the output from this modeling did not meet the statistical confidence thresholds required to predict the impact of this variant on GATA2 protein function. This variant has not been reported in the literature in individuals affected with GATA2-related conditions. This variant is present in population databases (no rsID available, gnomAD 0.0009%). This sequence change replaces valine, which is neutral and non-polar, with glycine, which is neutral and non-polar, at codon 181 of the GATA2 protein (p.Val181Gly).